The following is an entry in ClinVar:

NM_004958.4(MTOR):c.3456C>A (p.Ala1152=)

Gene: MTOR (mechanistic target of rapamycin kinase; minus strand). Cytogenetic location: 1p36.22.
Variant type: single nucleotide variant.
Coding change: c.3456C>A on transcript NM_004958.4 (MANE Select); coding-DNA position 3456, C replaced by A.
Protein change: p.Ala1152=; no amino-acid change (alanine 1152 retained).
Molecular consequence: synonymous variant.
Genome position (GRCh38, 1-based): chr1:11,212,417, G>T on the plus strand (C>A on the coding strand, the complement: MTOR is on the minus strand). VCF-style: chr1-11212417-G-T. GRCh37 (hg19) VCF-style: chr1-11272474-G-T.
Identifiers: ClinVar variation 697337 (VCV000697337.24), dbSNP rs373476614, ClinGen allele CA590217.

ClinVar aggregate classification (germline): Likely benign. Review status: criteria provided, multiple submitters, no conflicts (2 of 4 stars). 2 submissions from 2 submitters: Likely benign (2). Last evaluated 2026-05-01.

Allele frequency attached by ClinVar (database versions not stated): ExAC 0.00007; gnomAD exomes 0.00009; TOPMed 0.00010; gnomAD 0.00011 and 0.00012; ESP Exome Variant Server 0.00023.
gnomAD v4.1: 382 of 1,614,056 alleles (0.024%); highest among the groups gnomAD compares: Non-Finnish European, 0.031%; no homozygotes.

Submissions (2):

CeGaT Center for Human Genetics Tuebingen
Classification: Likely benign. Last evaluated: 2026-05-01. Review status: criteria provided, single submitter. Criteria: CeGaT Center For Human Genetics Tuebingen Variant Classification Criteria Version 2. Collection method: clinical testing. Allele origin: germline. Affected: yes. Observed: 3 variant alleles.
Comment: MTOR: BP4, BP7

Labcorp Genetics (formerly Invitae), Labcorp
Classification: Likely benign. Last evaluated: 2026-01-06. Review status: criteria provided, single submitter. Criteria: Invitae Variant Classification Sherloc (09022015). Collection method: clinical testing. Allele origin: germline.